The following is an entry in ClinVar:

ClinVar aggregate classification (germline): Likely benign. Review status: criteria provided, multiple submitters, no conflicts (2 of 4 stars). 2 submissions from 2 submitters: Likely benign (2). Last evaluated 2026-01-13.

Conditions:
Progressive sclerosing poliodystrophy (MTDPS4A). Also called: Alpers-Huttenlocher Syndrome (AHS); Alpers Syndrome; ALPERS PROGRESSIVE INFANTILE POLIODYSTROPHY; Mitochondrial DNA depletion syndrome 4A (Alpers type); ALPERS DIFFUSE DEGENERATION OF CEREBRAL GRAY MATTER WITH HEPATIC CIRRHOSIS; Alpers-Huttenlocher Syndrome. Identifiers: Orphanet 726, MedGen C0205710, MONDO:0008758, OMIM 203700.

Allele frequency attached by ClinVar (database versions not stated): gnomAD exomes below 0.00001 and 0.00001; TOPMed below 0.00001; ExAC 0.00002.
gnomAD v4.1: 2 of 1,580,160 alleles (0.00013%); highest among the groups gnomAD compares: Admixed American, 0.0035%; no homozygotes.

Submissions (2):

Labcorp Genetics (formerly Invitae), Labcorp
Classification: Likely benign for Progressive sclerosing poliodystrophy. Last evaluated: 2026-01-13. Review status: criteria provided, single submitter. Criteria: Invitae Variant Classification Sherloc (09022015). Collection method: clinical testing. Allele origin: germline.

Wong Mito Lab, Molecular and Human Genetics, Baylor College of Medicine
Classification: Likely benign for Progressive sclerosing poliodystrophy. Last evaluated: 2018-10-01. Review status: criteria provided, single submitter. Criteria: ACMG Guidelines, 2015. Collection method: clinical testing. Allele origin: germline.
Comment: The NM_002693.2:c.528C>T (NP_002684.1:p.Thr176=) [GRCH38: NC_000015.10:g.89333227G>A] variant in POLG gene is interpretated to be a Likely Benign based on ACMG guidelines (PMID: 25741868). This variant meets the following evidence codes reported in the ACMG-guideline. BP4:Computational evidence/predictors indicate no impact on the POLG structure, function, or protein-protein interaction. BP7:The variant is silent with non predicted splice impact. Based on the evidence criteria codes applied, the variant is suggested to be Likely Benign.

NM_002693.3(POLG):c.528C>T (p.Thr176=)

Genes: POLG (DNA polymerase gamma, catalytic subunit; minus strand), POLGARF (POLG alternative reading frame; minus strand). Cytogenetic location: 15q26.1.
Variant type: single nucleotide variant.
Coding change: c.528C>T on transcript NM_002693.3 (MANE Select); coding-DNA position 528, C replaced by T.
Protein change: p.Thr176=; no amino-acid change (threonine 176 retained).
Molecular consequence: synonymous variant.
Genome position (GRCh38, 1-based): chr15:89,333,227, G>A on the plus strand (C>T on the coding strand, the complement: POLG is on the minus strand). VCF-style: chr15-89333227-G-A. GRCh37 (hg19) VCF-style: chr15-89876458-G-A.
Other names: c.528C>T, p.Thr176= (NM_001126131.2).
Identifiers: ClinVar variation 619380 (VCV000619380.6), dbSNP rs750915606, ClinGen allele CA7725101.